The following is an entry in ClinVar:

NM_001322934.2(NFKB2):c.2515G>A (p.Gly839Ser)

Gene: NFKB2 (nuclear factor kappa B subunit 2; plus strand). Cytogenetic location: 10q24.32.
Variant type: single nucleotide variant.
Coding change: c.2515G>A on transcript NM_001322934.2 (MANE Select); coding-DNA position 2515, G replaced by A.
Protein change: p.Gly839Ser; replaces glycine 839 with serine.
Molecular consequence: missense variant.
Genome position (GRCh38, 1-based): chr10:102,402,096, G>A. VCF-style: chr10-102402096-G-A. GRCh37 (hg19) VCF-style: chr10-104161853-G-A.
Other names: c.2515G>A, p.Gly839Ser (NM_001077494.3, NM_001261403.3, NM_001288724.1 and 1 more transcripts); c.2389G>A, p.Gly797Ser (NM_001322935.1); short protein forms G797S, G839S.
Identifiers: ClinVar variation 3645531 (VCV003645531.2).

ClinVar aggregate classification (germline): Uncertain significance (1 of 4 stars; one submission).

Conditions:
Immunodeficiency, common variable, 10. Also called: DEFICIT IN ANTERIOR PITUITARY FUNCTION AND VARIABLE IMMUNODEFICIENCY; IMMUNODEFICIENCY, COMMON VARIABLE, WITH CENTRAL ADRENAL INSUFFICIENCY. Identifiers: MedGen C3809991, MONDO:0014260, OMIM 615577.

Submission:

Labcorp Genetics (formerly Invitae), Labcorp
Classification: Uncertain significance for Immunodeficiency, common variable, 10. Last evaluated: 2025-06-16. Review status: criteria provided, single submitter. Criteria: Invitae Variant Classification Sherloc (09022015). Collection method: clinical testing. Allele origin: germline.
Comment: This sequence change replaces glycine, which is neutral and non-polar, with serine, which is neutral and polar, at codon 839 of the NFKB2 protein (p.Gly839Ser). This variant is not present in population databases (gnomAD no frequency). This variant has not been reported in the literature in individuals affected with NFKB2-related conditions. ClinVar contains an entry for this variant (Variation ID: 3645531). An algorithm developed to predict the effect of missense changes on protein structure and function (PolyPhen-2) suggests that this variant is likely to be disruptive. In summary, the available evidence is currently insufficient to determine the role of this variant in disease. Therefore, it has been classified as a Variant of Uncertain Significance.